The following is an entry in ClinVar:

NM_002295.6(RPSA):c.538C>T (p.Arg180Trp)

Gene: RPSA (ribosomal protein SA; plus strand). Cytogenetic location: 3p22.1.
Variant type: single nucleotide variant.
Coding change: c.538C>T on transcript NM_002295.6 (MANE Select); coding-DNA position 538, C replaced by T.
Protein change: p.Arg180Trp; replaces arginine 180 with tryptophan.
Molecular consequence: missense variant.
Genome position (GRCh38, 1-based): chr3:39,411,688, C>T. VCF-style: chr3-39411688-C-T. GRCh37 (hg19) VCF-style: chr3-39453179-C-T.
Other names: c.553C>T, p.Arg185Trp (NM_001304288.2); short protein forms R180W, R185W.
Identifiers: ClinVar variation 64674 (VCV000064674.5), dbSNP rs397514760, ClinGen allele CA144721.

ClinVar aggregate classification (germline): Pathogenic. Review status: criteria provided, single submitter (1 of 4 stars). 2 submissions from 2 submitters: Pathogenic (1). 1 of the submissions does not count toward it. Last evaluated 2023-06-15.

Conditions:
Familial isolated congenital asplenia. Also called: Asplenia, isolated congenital; ASPLENIA, FAMILIAL; HYPOSPLENIA, ISOLATED CONGENITAL. Identifiers: Orphanet 101351, MedGen C0685889, MONDO:0010066, OMIM 271400.

Submissions (2):

Labcorp Genetics (formerly Invitae), Labcorp
Classification: Pathogenic. Last evaluated: 2023-06-15. Review status: criteria provided, single submitter. Criteria: Invitae Variant Classification Sherloc (09022015). Collection method: clinical testing. Allele origin: germline.
Comment: ClinVar contains an entry for this variant (Variation ID: 64674). This missense change has been observed in individual(s) with isolated congenital asplenia (PMID: 23579497). In at least one individual the variant was observed to be de novo. This variant is not present in population databases (gnomAD no frequency). This sequence change replaces arginine, which is basic and polar, with tryptophan, which is neutral and slightly polar, at codon 180 of the RPSA protein (p.Arg180Trp). For these reasons, this variant has been classified as Pathogenic. This variant disrupts the p.Arg180 amino acid residue in RPSA. Other variant(s) that disrupt this residue have been determined to be pathogenic (PMID: 23579497). This suggests that this residue is clinically significant, and that variants that disrupt this residue are likely to be disease-causing. Studies have shown that this missense change alters RPSA gene expression (PMID: 23579497). Advanced modeling of protein sequence and biophysical properties (such as structural, functional, and spatial information, amino acid conservation, physicochemical variation, residue mobility, and thermodynamic stability) performed at Invitae indicates that this missense variant is not expected to disrupt RPSA protein function.

OMIM
Classification: Pathogenic for ASPLENIA, ISOLATED CONGENITAL. Last evaluated: 2013-05-24. Review status: no assertion criteria provided. Collection method: literature only. Allele origin: germline. Not counted in ClinVar's aggregate classification.

Literature cited by the submitters: PubMed 23579497 (cited by Labcorp Genetics (formerly Invitae), Labcorp and OMIM).